The following is an entry in ClinVar:

NM_000492.4(CFTR):c.164+3A>G

Gene: CFTR (CF transmembrane conductance regulator; plus strand). Cytogenetic location: 7q31.2.
Variant type: single nucleotide variant.
Coding change: c.164+3A>G on transcript NM_000492.4 (MANE Select); 3 bases into the intron after coding-DNA position 164, A replaced by G.
Molecular consequence: intron variant.
Genome position (GRCh38, 1-based): chr7:117,504,366, A>G. VCF-style: chr7-117504366-A-G. GRCh37 (hg19) VCF-style: chr7-117144420-A-G.
Other names: c.164+3A>G (NM_000492.3).
Identifiers: ClinVar variation 1965023 (VCV001965023.6), dbSNP rs1011735688, ClinGen allele CA164963755.

ClinVar aggregate classification (germline): Uncertain significance. Review status: criteria provided, multiple submitters, no conflicts (2 of 4 stars). 3 submissions from 3 submitters: Uncertain significance (3). Last evaluated 2025-03-20.

Conditions:
Cystic fibrosis (CF). Also called: MUCOVISCIDOSIS. Identifiers: Orphanet 586, MedGen C0010674, MONDO:0009061, OMIM 219700. Disease mechanism: loss of function.

Allele frequency attached by ClinVar (database versions not stated): TOPMed 0.00001; gnomAD exomes below 0.00001; gnomAD 0.00001.
gnomAD v4.1: 4 of 1,378,568 alleles (0.00029%); highest among the groups gnomAD compares: African/African-American, 0.0014%; no homozygotes.

Submissions (3):

Women's Health and Genetics/Laboratory Corporation of America, LabCorp
Classification: Uncertain significance. Last evaluated: 2025-03-20. Review status: criteria provided, single submitter. Criteria: LabCorp Variant Classification Summary - May 2015. Collection method: clinical testing. Allele origin: germline.

Ambry Genetics
Classification: Uncertain significance for Cystic fibrosis. Last evaluated: 2023-03-30. Review status: criteria provided, single submitter. Criteria: Ambry Variant Classification Scheme 2023. Collection method: clinical testing. Allele origin: germline.
Comment: The c.164+3A>G intronic variant results from an A to G substitution 3 nucleotides after coding exon 2 in the CFTR gene. This nucleotide position is well conserved in available vertebrate species. In silico splice site analysis predicts that this alteration will not have any significant effect on splicing. Since supporting evidence is limited at this time, the clinical significance of this alteration remains unclear.

Labcorp Genetics (formerly Invitae), Labcorp
Classification: Uncertain significance for Cystic fibrosis. Last evaluated: 2022-02-28. Review status: criteria provided, single submitter. Criteria: Invitae Variant Classification Sherloc (09022015). Collection method: clinical testing. Allele origin: germline.
Comment: This sequence change falls in intron 2 of the CFTR gene. It does not directly change the encoded amino acid sequence of the CFTR protein. It affects a nucleotide within the consensus splice site. This variant is present in population databases (no rsID available, gnomAD 0.004%). This variant has not been reported in the literature in individuals affected with CFTR-related conditions. Variants that disrupt the consensus splice site are a relatively common cause of aberrant splicing (PMID: 17576681, 9536098). Algorithms developed to predict the effect of sequence changes on RNA splicing suggest that this variant is not likely to affect RNA splicing. In summary, the available evidence is currently insufficient to determine the role of this variant in disease. Therefore, it has been classified as a Variant of Uncertain Significance.

Literature cited by the submitters: PubMed 17576681 (cited by Labcorp Genetics (formerly Invitae), Labcorp); PubMed 9536098 (cited by Labcorp Genetics (formerly Invitae), Labcorp).